The following is an entry in ClinVar:

NM_001042492.3(NF1):c.1237T>C (p.Ser413Pro)

Gene: NF1 (neurofibromin 1; plus strand). Cytogenetic location: 17q11.2.
Variant type: single nucleotide variant.
Coding change: c.1237T>C on transcript NM_001042492.3 (MANE Select); coding-DNA position 1237, T replaced by C.
Protein change: p.Ser413Pro; replaces serine 413 with proline.
Molecular consequence: missense variant.
Genome position (GRCh38, 1-based): chr17:31,201,462, T>C. VCF-style: chr17-31201462-T-C. GRCh37 (hg19) VCF-style: chr17-29528480-T-C.
Other names: c.1237T>C, p.Ser413Pro (NM_000267.4, NM_001128147.3); short protein forms S413P.
Identifiers: ClinVar variation 547584 (VCV000547584.6), dbSNP rs1555611093, ClinGen allele CA398997666.

ClinVar aggregate classification (germline): Conflicting classifications of pathogenicity. Review status: criteria provided, conflicting classifications (1 of 4 stars). 3 submissions from 3 submitters: Pathogenic (2); Uncertain significance (1). Last evaluated 2024-05-15.

Conditions:
Neurofibromatosis, type 1 (NF1). Also called: NEUROFIBROMATOSIS, TYPE I, SOMATIC; VON RECKLINGHAUSEN DISEASE; Peripheral type neurofibromatosis; Neurofibromatosis, type I. Identifiers: Orphanet 636, MedGen C0027831, MONDO:0018975, OMIM 162200. Disease mechanism: loss of function.

Submissions (3):

Labcorp Genetics (formerly Invitae), Labcorp
Classification: Pathogenic for Neurofibromatosis, type 1. Last evaluated: 2024-05-15. Review status: criteria provided, single submitter. Criteria: Invitae Variant Classification Sherloc (09022015). Collection method: clinical testing. Allele origin: germline.
Comment: This sequence change replaces serine, which is neutral and polar, with proline, which is neutral and non-polar, at codon 413 of the NF1 protein (p.Ser413Pro). This variant is not present in population databases (gnomAD no frequency). This missense change has been observed in individual(s) with clinical features of neurofibromatosis type 1 (PMID: 16835897; external communication). ClinVar contains an entry for this variant (Variation ID: 547584). Advanced modeling of protein sequence and biophysical properties (such as structural, functional, and spatial information, amino acid conservation, physicochemical variation, residue mobility, and thermodynamic stability) performed at Invitae indicates that this missense variant is expected to disrupt NF1 protein function with a positive predictive value of 95%. For these reasons, this variant has been classified as Pathogenic.

GeneDx
Classification: Uncertain significance. Last evaluated: 2023-06-09. Review status: criteria provided, single submitter. Criteria: GeneDx Variant Classification Process June 2021. Collection method: clinical testing. Allele origin: germline. Affected: yes.
Comment: Not observed at significant frequency in large population cohorts (gnomAD); In silico analysis supports that this missense variant has a deleterious effect on protein structure/function; This variant is associated with the following publications: (PMID: 24803665, 16835897)

Center for Human Genetics, Inc
Classification: Pathogenic for Neurofibromatosis, type 1. Last evaluated: 2016-11-01. Review status: criteria provided, single submitter. Criteria: ACMG Guidelines, 2015. Collection method: clinical testing. Allele origin: germline. Affected: yes.

Literature cited by the submitters: PubMed 16835897 (cited by Labcorp Genetics (formerly Invitae), Labcorp).